The following is an entry in ClinVar:

ClinVar aggregate classification (germline): Likely benign (1 of 4 stars; one submission).

Conditions:
Breast-ovarian cancer, familial, susceptibility to, 2 (BROVCA2). Also called: BRCA2 Hereditary Breast and Ovarian Cancer. Identifiers: Orphanet 145, MedGen C2675520, MONDO:0012933, OMIM 612555. Disease mechanism: loss of function.

gnomAD v4.1: 1 of 1,599,426 alleles (0.000063%); highest among the groups gnomAD compares: Non-Finnish European, 0.000085%; no homozygotes.

Submission:

Cancer Bioinformatics and Tumour Evolution Laboratory, Monash University
Classification: Likely benign for Breast-ovarian cancer, familial, susceptibility to, 2. Last evaluated: 2026-05-01. Review status: criteria provided, single submitter. Criteria: ClinGen BRCA1 and BRCA2 Guidelines, 2024. Collection method: curation. Allele origin: germline. Inheritance: Autosomal dominant inheritance.
Comment: PMID: 39281752 - A large scale study to determine the case-control LR of BRCA1 and BRCA2 variants. The data was consolidated in the ccLR browser. This variant was found in the browser with a LR of 0.879346081 which is in the no evidence range according to the BRCA1 and BRCA2 VCEP. Hence, no evidence code is applied. Missense variant outside of a functional domain with no splice impact. BRCA1 and BRCA2 VCEP guidelines recommend application of BP1_Strong (PMID: 39142283)

Literature cited by the submitters: PubMed 39281752.

NM_000059.4(BRCA2):c.4371G>C (p.Leu1457Phe)

Gene: BRCA2 (BRCA2 DNA repair associated; plus strand). Cytogenetic location: 13q13.1.
Variant type: single nucleotide variant.
Coding change: c.4371G>C on transcript NM_000059.4 (MANE Select); coding-DNA position 4371, G replaced by C.
Protein change: p.Leu1457Phe; replaces leucine 1457 with phenylalanine.
Molecular consequence: missense variant. On other transcripts: non-coding transcript variant (1), intron variant (2).
Genome position (GRCh38, 1-based): chr13:32,338,726, G>C. VCF-style: chr13-32338726-G-C. GRCh37 (hg19) VCF-style: chr13-32912863-G-C.
Other names: c.4371G>C, p.Leu1457Phe (NM_001406719.1, NM_001406720.1, NM_001432077.1); c.1909+5339G>C (NM_001406721.1); c.425-5832G>C (NM_001406722.1); short protein forms L1457F.
Identifiers: ClinVar variation 4856497 (VCV004856497.1).